The following is an entry in ClinVar:

ClinVar aggregate classification (germline): Conflicting classifications of pathogenicity. Review status: criteria provided, conflicting classifications (1 of 4 stars). 5 submissions from 4 submitters: Uncertain significance (2); Benign (1); Likely benign (1). 1 of the submissions does not count toward it. Last evaluated 2024-01-19.

Conditions:
Autosomal dominant nonsyndromic hearing loss 12. Also called: DEAFNESS, AUTOSOMAL DOMINANT 8. Identifiers: Orphanet 90635, MedGen C1832187, MONDO:0011102, OMIM 601543.
Autosomal recessive nonsyndromic hearing loss 21. Identifiers: Orphanet 90636, MedGen C1863655, MONDO:0011351, OMIM 603629.
TECTA-related disorder. Also called: TECTA-related condition.

Allele frequency attached by ClinVar (database versions not stated): gnomAD 0.00002 and 0.00019; TOPMed 0.00002; gnomAD exomes 0.00032 and 0.00064; 1000 Genomes Project 30x 0.00062; ExAC 0.00069; 1000 Genomes Project 0.00080.

Submissions (5):

Blueprint Genetics
Classification: Uncertain significance. Last evaluated: 2024-01-19. Review status: criteria provided, single submitter. Criteria: ACMG Guidelines, 2015. Collection method: clinical testing. Allele origin: germline.

Labcorp Genetics (formerly Invitae), Labcorp
Classification: Likely benign. Last evaluated: 2023-12-19. Review status: criteria provided, single submitter. Criteria: Invitae Variant Classification Sherloc (09022015). Collection method: clinical testing. Allele origin: germline.

Illumina Laboratory Services, Illumina
Classification: Benign for Autosomal dominant nonsyndromic hearing loss 12. Last evaluated: 2017-04-28. Review status: criteria provided, single submitter. Criteria: ICSL Variant Classification Criteria 13 December 2019. Collection method: clinical testing. Allele origin: germline.
Comment: This variant was observed as part of a predisposition screen in an ostensibly healthy population. A literature search was performed for the gene, cDNA change, and amino acid change (where applicable). No publications were found based on this search. Allele frequency data from public databases was too high to be consistent with this variant causing disease. Therefore, this variant is classified as benign.

Illumina Laboratory Services, Illumina
Classification: Uncertain significance for Autosomal recessive nonsyndromic hearing loss 21. Last evaluated: 2017-04-28. Review status: criteria provided, single submitter. Criteria: ICSL Variant Classification Criteria 13 December 2019. Collection method: clinical testing. Allele origin: germline.

PreventionGenetics, part of Exact Sciences
Classification: Likely benign for TECTA-related condition. Last evaluated: 2024-05-19. Review status: no assertion criteria provided. Collection method: clinical testing. Allele origin: germline. Not counted in ClinVar's aggregate classification.
Comment: This variant is classified as likely benign based on ACMG/AMP sequence variant interpretation guidelines (Richards et al. 2015 PMID: 25741868, with internal and published modifications).

NM_005422.4(TECTA):c.4295A>G (p.Lys1432Arg)

Genes: TBCEL-TECTA (TBCEL-TECTA readthrough; plus strand), TECTA (tectorin alpha; plus strand). Cytogenetic location: 11q23.3.
Variant type: single nucleotide variant.
Coding change: c.4295A>G on transcript NM_005422.4 (MANE Select); coding-DNA position 4295, A replaced by G.
Protein change: p.Lys1432Arg; replaces lysine 1432 with arginine.
Molecular consequence: missense variant.
Genome position (GRCh38, 1-based): chr11:121,153,070, A>G. VCF-style: chr11-121153070-A-G. GRCh37 (hg19) VCF-style: chr11-121023779-A-G.
Other names: short protein forms K1432R.
Identifiers: ClinVar variation 878772 (VCV000878772.13), dbSNP rs530918606, ClinGen allele CA6327407.